The following is an entry in ClinVar:

ClinVar aggregate classification (germline): Uncertain significance (1 of 4 stars; one submission).

Submission:

Labcorp Genetics (formerly Invitae), Labcorp
Classification: Uncertain significance. Last evaluated: 2022-08-16. Review status: criteria provided, single submitter. Criteria: Invitae Variant Classification Sherloc (09022015). Collection method: clinical testing. Allele origin: germline.
Comment: This sequence change creates a premature translational stop signal (p.Val294Argfs*7) in the SLC18A3 gene. While this is not anticipated to result in nonsense mediated decay, it is expected to disrupt the last 239 amino acid(s) of the SLC18A3 protein. This variant is not present in population databases (gnomAD no frequency). This variant has not been reported in the literature in individuals affected with SLC18A3-related conditions. ClinVar contains an entry for this variant (Variation ID: 1477885). Experimental studies and prediction algorithms are not available or were not evaluated, and the functional significance of this variant is currently unknown. In summary, the available evidence is currently insufficient to determine the role of this variant in disease. Therefore, it has been classified as a Variant of Uncertain Significance.

NM_003055.3(SLC18A3):c.879_883del (p.Val294fs)

Genes: CHAT (choline O-acetyltransferase; plus strand), SLC18A3 (solute carrier family 18 member A3; plus strand). Cytogenetic location: 10q11.23.
Variant type: Deletion.
Coding change: c.879_883del on transcript NM_003055.3 (MANE Select); coding-DNA positions 879 to 883, 5 bases deleted (GGTGG; older notation c.879_883delGGTGG).
Protein change: p.Val294fs; shifts the reading frame from valine 294.
Molecular consequence: frameshift variant. On other transcripts: intron variant (1).
Genome position (GRCh38, 1-based): chr10:49,611,619-49,611,623, GGTGG deleted. VCF-style (leftmost placement, unchanged base first): chr10-49611618-TGGTGG-T. GRCh37 (hg19) VCF-style: chr10-50819664-TGGTGG-T.
Other names: c.-69+2420_-69+2424del (NM_020984.4); short protein forms V294fs.
Identifiers: ClinVar variation 1477885 (VCV001477885.7), dbSNP rs2132687548, ClinGen allele CA2573145178.